The following is an entry in ClinVar:

ClinVar aggregate classification (germline): Uncertain significance. Review status: criteria provided, multiple submitters, no conflicts (2 of 4 stars). 4 submissions from 4 submitters: Uncertain significance (4). Last evaluated 2024-03-19.

Conditions:
Nephronophthisis 13 (NPHP13). Identifiers: Orphanet 655, MedGen C3280612, MONDO:0013718, OMIM 614377.
Cranioectodermal dysplasia 4 (CED4). Identifiers: Orphanet 1515, MedGen C3280616, MONDO:0013719, OMIM 614378.
Asphyxiating thoracic dystrophy 5 (SRTD5). Also called: SHORT-RIB THORACIC DYSPLASIA 5 WITH OR WITHOUT POLYDACTYLY; SHORT-RIB THORACIC DYSPLASIA 5 WITHOUT POLYDACTYLY. Identifiers: Orphanet 474, MedGen C3280598, MONDO:0013717, OMIM 614376.
Spermatogenic failure 72 (SPGF72). Identifiers: MedGen C5676980, MONDO:0030809, OMIM 619867.
Senior-Loken syndrome 8 (SLSN8). Identifiers: Orphanet 3156, MedGen C4225376, MONDO:0014579, OMIM 616307.

Allele frequency attached by ClinVar (database versions not stated): gnomAD 0.00001; TOPMed 0.00002.
gnomAD v4.1: 22 of 1,613,292 alleles (0.0014%); highest among the groups gnomAD compares: East Asian, 0.0022%; no homozygotes.

Submissions (4):

Fulgent Genetics
Classification: Uncertain significance for Asphyxiating thoracic dystrophy 5; Nephronophthisis 13; Cranioectodermal dysplasia 4; Senior-Loken syndrome 8; Spermatogenic failure 72. Last evaluated: 2024-03-19. Review status: criteria provided, single submitter. Criteria: ACMG Guidelines, 2015. Collection method: clinical testing. Allele origin: germline.

Labcorp Genetics (formerly Invitae), Labcorp
Classification: Uncertain significance for Senior-Loken syndrome 8; Asphyxiating thoracic dystrophy 5. Last evaluated: 2022-07-19. Review status: criteria provided, single submitter. Criteria: Invitae Variant Classification Sherloc (09022015). Collection method: clinical testing. Allele origin: germline.
Comment: In summary, the available evidence is currently insufficient to determine the role of this variant in disease. Therefore, it has been classified as a Variant of Uncertain Significance. Algorithms developed to predict the effect of missense changes on protein structure and function (SIFT, PolyPhen-2, Align-GVGD) all suggest that this variant is likely to be disruptive. ClinVar contains an entry for this variant (Variation ID: 283881). This variant has not been reported in the literature in individuals affected with WDR19-related conditions. This variant is not present in population databases (gnomAD no frequency). This sequence change replaces arginine, which is basic and polar, with tryptophan, which is neutral and slightly polar, at codon 699 of the WDR19 protein (p.Arg699Trp).

Blueprint Genetics
Classification: Uncertain significance. Last evaluated: 2022-02-05. Review status: criteria provided, single submitter. Criteria: ACMG Guidelines, 2015. Collection method: clinical testing. Allele origin: germline.

Eurofins Ntd Llc (ga)
Classification: Uncertain significance. Last evaluated: 2015-10-15. Review status: criteria provided, single submitter. Criteria: EGL Classification Definitions 2015. Collection method: clinical testing. Allele origin: germline. Observed: 1 variant allele, 1 heterozygote.

NM_025132.4(WDR19):c.2095C>T (p.Arg699Trp)

Gene: WDR19 (WD repeat domain 19; plus strand). Cytogenetic location: 4p14.
Variant type: single nucleotide variant.
Coding change: c.2095C>T on transcript NM_025132.4 (MANE Select); coding-DNA position 2095, C replaced by T.
Protein change: p.Arg699Trp; replaces arginine 699 with tryptophan.
Molecular consequence: missense variant.
Genome position (GRCh38, 1-based): chr4:39,231,909, C>T. VCF-style: chr4-39231909-C-T. GRCh37 (hg19) VCF-style: chr4-39233529-C-T.
Other names: c.1615C>T, p.Arg539Trp (NM_001317924.2); short protein forms R699W, R539W.
Identifiers: ClinVar variation 283881 (VCV000283881.12), dbSNP rs886042728, ClinGen allele CA10604613.